The following is an entry in ClinVar:

NM_004183.4(BEST1):c.90G>C (p.Lys30Asn)

Gene: BEST1 (bestrophin 1; plus strand). Cytogenetic location: 11q12.3.
Variant type: single nucleotide variant.
Coding change: c.90G>C on transcript NM_004183.4 (MANE Select); coding-DNA position 90, G replaced by C.
Protein change: p.Lys30Asn; replaces lysine 30 with asparagine.
Molecular consequence: missense variant. On other transcripts: non-coding transcript variant (1), intron variant (6).
Genome position (GRCh38, 1-based): chr11:61,951,896, G>C. VCF-style: chr11-61951896-G-C. GRCh37 (hg19) VCF-style: chr11-61719368-G-C.
Other names: c.90G>C, p.Lys30Asn (NM_001363592.2, NM_001440571.1, NM_001440572.1 and 1 more transcripts); c.-29+1469G>C (NM_001139443.3, NM_001300787.2, NM_001440574.1 and 3 more transcripts); short protein forms K30N.
Identifiers: ClinVar variation 4820272 (VCV004820272.1).

ClinVar aggregate classification (germline): Likely pathogenic (1 of 4 stars; one submission).

Conditions:
Retinal disorder. Also called: Retinal disorders; Retinopathies; Retinal Diseases; Retinopathy. Identifiers: MedGen C0035309, MONDO:0005283, HP:0000488.

gnomAD v4.1: 2 of 1,613,390 alleles (0.00012%); highest among the groups gnomAD compares: Non-Finnish European, 0.00017%; no homozygotes.

Submission:

Genetics Laboratory, Great Ormond Street Hospital NHS Foundation Trust, North Thames Genomic Laboratory Hub
Classification: Likely pathogenic for Retinal disorders. Last evaluated: 2026-02-16. Review status: criteria provided, single submitter. Criteria: ACGS Best Practice Guidelines for Variant Classification in Rare Disease 2024 v1.2. Collection method: clinical testing. Allele origin: germline. Affected: yes.
Comment: PS4_moderate, PM2_moderate, PP3_supporting, PM5_moderate, PP4_supporting